The following is an entry in ClinVar:

ClinVar aggregate classification (germline): Pathogenic. Review status: criteria provided, multiple submitters, no conflicts (2 of 4 stars). 2 submissions from 2 submitters: Pathogenic (2). Last evaluated 2025-06-27.

Conditions:
PKD2-related disorder. Also called: PKD2-related condition.

Submissions (2):

GeneDx
Classification: Pathogenic. Last evaluated: 2025-06-27. Review status: criteria provided, single submitter. Criteria: GeneDx Variant Classification Process June 2021. Collection method: clinical testing. Allele origin: germline. Affected: yes.
Comment: Frameshift variant predicted to result in protein truncation or nonsense mediated decay in a gene for which loss of function is a known mechanism of disease; Not observed at significant frequency in large population cohorts (gnomAD); This variant is associated with the following publications: (PMID: 36186434)

Blueprint Genetics
Classification: Pathogenic for PKD2-related disorders. Last evaluated: 2023-10-17. Review status: criteria provided, single submitter. Criteria: ACMG Guidelines, 2015. Collection method: clinical testing. Allele origin: germline. Affected: yes. Observed: 1 variant allele.

NM_000297.4(PKD2):c.2185_2186del (p.Leu729fs)

Gene: PKD2 (polycystin 2, transient receptor potential cation channel; plus strand). Cytogenetic location: 4q22.1.
Variant type: Deletion.
Coding change: c.2185_2186del on transcript NM_000297.4 (MANE Select); coding-DNA positions 2185 to 2186, 2 bases deleted (CT; older notation c.2185_2186delCT).
Protein change: p.Leu729fs; shifts the reading frame from leucine 729.
Molecular consequence: frameshift variant. On other transcripts: non-coding transcript variant (1).
Genome position (GRCh38, 1-based): chr4:88,065,440-88,065,441, CT deleted; deleting any 2 consecutive bases within chr4:88,065,439-88,065,441 gives the same sequence; the c. name uses the placement nearest the transcript's 3' end. VCF-style (leftmost placement, unchanged base first): chr4-88065438-GTC-G. GRCh37 (hg19) VCF-style: chr4-88986590-GTC-G.
Other names: c.1960_1961del, p.Leu654fs (NM_001440544.1); short protein forms L654fs, L729fs.
Identifiers: ClinVar variation 4540022 (VCV004540022.2).